The following is an entry in ClinVar:

ClinVar aggregate classification (germline): Uncertain significance (1 of 4 stars; one submission).

Allele frequency attached by ClinVar (database versions not stated): gnomAD exomes below 0.00001.

Submission:

Labcorp Genetics (formerly Invitae), Labcorp
Classification: Uncertain significance. Last evaluated: 2022-05-25. Review status: criteria provided, single submitter. Criteria: Invitae Variant Classification Sherloc (09022015). Collection method: clinical testing. Allele origin: germline.
Comment: This sequence change replaces glutamic acid, which is acidic and polar, with glycine, which is neutral and non-polar, at codon 4208 of the PCLO protein (p.Glu4208Gly). This variant is not present in population databases (gnomAD no frequency). This variant has not been reported in the literature in individuals affected with PCLO-related conditions. Algorithms developed to predict the effect of missense changes on protein structure and function are either unavailable or do not agree on the potential impact of this missense change (SIFT: "Deleterious"; PolyPhen-2: "Not Available"; Align-GVGD: "Class C0"). In summary, the available evidence is currently insufficient to determine the role of this variant in disease. Therefore, it has been classified as a Variant of Uncertain Significance.

NM_033026.6(PCLO):c.12623A>G (p.Glu4208Gly)

Gene: PCLO (piccolo presynaptic cytomatrix protein; minus strand). Cytogenetic location: 7q21.11.
Variant type: single nucleotide variant.
Coding change: c.12623A>G on transcript NM_033026.6 (MANE Select); coding-DNA position 12623, A replaced by G.
Protein change: p.Glu4208Gly; replaces glutamic acid 4208 with glycine.
Molecular consequence: missense variant.
Genome position (GRCh38, 1-based): chr7:82,915,363, T>C on the plus strand (A>G on the coding strand, the complement: PCLO is on the minus strand). VCF-style: chr7-82915363-T-C. GRCh37 (hg19) VCF-style: chr7-82544679-T-C.
Other names: c.12623A>G, p.Glu4208Gly (NM_014510.3); short protein forms E4208G.
Identifiers: ClinVar variation 1998493 (VCV001998493.1), dbSNP rs2535548591, ClinGen allele CA367887111.
Genomic context (GRCh38, chr7:82,915,363, plus strand): 5'-CCAATAGATGAAGTGCTAGAAGTCATATAGCTTGAATAATCAGGTTCAAGGTCTCTACTT[T>C]CTTGAATAGGTGAAAATTTTGACATTTTAGGGTCAATTAGTGATTTCTTATGCTTTGACT-3'
Protein context (NP_149015.2, residues 4198-4218): PKMSKFSPIQ[Glu4208Gly]SRDLEPDYSS